The following is an entry in ClinVar:

ClinVar aggregate classification (germline): Likely benign (0 of 4 stars; one submission).

Conditions:
ARMC5-related disorder. Also called: ARMC5-related condition.

Allele frequency attached by ClinVar (database versions not stated): ExAC 0.00001; gnomAD 0.00001.
gnomAD v4.1: 16 of 1,610,600 alleles (0.00099%); highest among the groups gnomAD compares: Admixed American, 0.005%; no homozygotes.

Submission:

PreventionGenetics, part of Exact Sciences
Classification: Likely benign for ARMC5-related condition. Last evaluated: 2019-03-12. Review status: no assertion criteria provided. Collection method: clinical testing. Allele origin: germline.
Comment: This variant is classified as likely benign based on ACMG/AMP sequence variant interpretation guidelines (Richards et al. 2015 PMID: 25741868, with internal and published modifications).

NM_001105247.2(ARMC5):c.1864+95C>T

Gene: ARMC5 (armadillo repeat containing 5; plus strand). Cytogenetic location: 16p11.2.
Variant type: single nucleotide variant.
Coding change: c.1864+95C>T on transcript NM_001105247.2 (MANE Select); 95 bases into the intron after coding-DNA position 1864, C replaced by T.
Molecular consequence: intron variant. On other transcripts: synonymous variant (1).
Genome position (GRCh38, 1-based): chr16:31,464,982, C>T. VCF-style: chr16-31464982-C-T. GRCh37 (hg19) VCF-style: chr16-31476303-C-T.
Other names: c.1959C>T, p.His653= (NM_024742.2); c.2149+95C>T (NM_001288767.2); c.1960+95C>T (NM_001301820.1).
Identifiers: ClinVar variation 3057911 (VCV003057911.2), dbSNP rs770492070, ClinGen allele CA8029818.
Genomic context (GRCh38, chr16:31,464,982, plus strand): 5'-ATGTGAGTCCCCATCCTCCCCCATGGCTTCCATGGGCCCAGAACCTCACCTTCCCACTCA[C>T]CTGTCCTCCCCAGCCCGTCCTCCAGACAACCTGTCACCAGAGTGGGGTGGGGAGCAGGGC-3'